The following is an entry in ClinVar:

ClinVar aggregate classification (germline): Conflicting classifications of pathogenicity. Review status: criteria provided, conflicting classifications (1 of 4 stars). 5 submissions from 5 submitters: Uncertain significance (1); Likely benign (4). Last evaluated 2026-02-20.

Conditions:
Inborn genetic diseases. Identifiers: MedGen C0950123, MeSH D030342.
CHD4-related disorder. Also called: CHD4-related condition.

Allele frequency attached by ClinVar (database versions not stated): TOPMed 0.00003; gnomAD exomes 0.00005 and 0.00010; ExAC 0.00011.
gnomAD v4.1: 29 of 1,614,140 alleles (0.0018%); highest among the groups gnomAD compares: Admixed American, 0.048%; no homozygotes.

Submissions (5):

GeneDx
Classification: Uncertain significance. Last evaluated: 2026-02-20. Review status: criteria provided, single submitter. Criteria: GeneDx Variant Classification Process June 2021. Collection method: clinical testing. Allele origin: germline.
Comment: Reported in an individual with tetralogy of Fallot and atrial septal defect; however, additional clinical information was not provided (PMID: 40127276); In silico analysis supports that this missense variant has a deleterious effect on protein structure/function; This variant is associated with the following publications: (PMID: 40127276)

PreventionGenetics, part of Exact Sciences
Classification: Likely benign for CHD4-related condition. Last evaluated: 2025-10-18. Review status: criteria provided, single submitter. Criteria: ACMG Guidelines, 2015. Collection method: clinical testing. Allele origin: germline.
Comment: This variant is classified as likely benign based on ACMG/AMP sequence variant interpretation guidelines (Richards et al. 2015 PMID: 25741868, with internal and published modifications).

Ambry Genetics
Classification: Likely benign for Inborn genetic diseases. Last evaluated: 2025-03-27. Review status: criteria provided, single submitter. Criteria: Ambry Variant Classification Scheme 2023. Collection method: clinical testing. Allele origin: germline.

Blueprint Genetics
Classification: Likely benign. Last evaluated: 2022-08-19. Review status: criteria provided, single submitter. Criteria: ACMG Guidelines, 2015. Collection method: clinical testing. Allele origin: germline.

Labcorp Genetics (formerly Invitae), Labcorp
Classification: Likely benign. Last evaluated: 2022-06-16. Review status: criteria provided, single submitter. Criteria: Invitae Variant Classification Sherloc (09022015). Collection method: clinical testing. Allele origin: germline.

NM_001273.5(CHD4):c.751C>G (p.Pro251Ala)

Gene: CHD4 (chromodomain helicase DNA binding protein 4; minus strand). Cytogenetic location: 12p13.31.
Variant type: single nucleotide variant.
Coding change: c.751C>G on transcript NM_001273.5 (MANE Select); coding-DNA position 751, C replaced by G.
Protein change: p.Pro251Ala; replaces proline 251 with alanine.
Molecular consequence: missense variant.
Genome position (GRCh38, 1-based): chr12:6,601,337, G>C on the plus strand (C>G on the coding strand, the complement: CHD4 is on the minus strand). VCF-style: chr12-6601337-G-C. GRCh37 (hg19) VCF-style: chr12-6710503-G-C.
Other names: c.751C>G (NM_001273.3, NM_001273.2); c.730C>G, p.Pro244Ala (NM_001297553.2); c.751C>G, p.Pro251Ala (NM_001363606.2); short protein forms P244A, P251A.
Identifiers: ClinVar variation 1607967 (VCV001607967.13), dbSNP rs767257985, ClinGen allele CA6412435.